The following is an entry in ClinVar:

ClinVar aggregate classification (germline): Pathogenic. Review status: criteria provided, multiple submitters, no conflicts (2 of 4 stars). 4 submissions from 4 submitters: Pathogenic (4). Last evaluated 2023-09-01.

Conditions:
DICER1-related tumor predisposition. Also called: DICER1 syndrome; DICER1-related pleuropulmonary blastoma cancer predisposition syndrome. Identifiers: Orphanet 284343, MedGen C3839822, MONDO:0100216.
Hereditary cancer-predisposing syndrome. Also called: Tumor predisposition; Hereditary Cancer Syndrome; Neoplastic Syndromes, Hereditary; Hereditary neoplastic syndrome. Identifiers: Orphanet 140162, MedGen C0027672, MeSH D009386, MONDO:0015356.

Submissions (4):

Ambry Genetics
Classification: Pathogenic for Hereditary cancer-predisposing syndrome. Last evaluated: 2023-09-01. Review status: criteria provided, single submitter. Criteria: Ambry Variant Classification Scheme 2023. Collection method: clinical testing. Allele origin: germline.
Comment: The c.3277_3280delAACT pathogenic mutation, located in coding exon 20 of the DICER1 gene, results from a deletion of 4 nucleotides at nucleotide positions 3277 to 3280, causing a translational frameshift with a predicted alternate stop codon (p.N1093*). This alteration is expected to result in loss of function by premature protein truncation or nonsense-mediated mRNA decay. As such, this alteration is interpreted as a disease-causing mutation.

Labcorp Genetics (formerly Invitae), Labcorp
Classification: Pathogenic for DICER1-related tumor predisposition. Last evaluated: 2021-08-03. Review status: criteria provided, single submitter. Criteria: Invitae Variant Classification Sherloc (09022015). Collection method: clinical testing. Allele origin: germline.
Comment: For these reasons, this variant has been classified as Pathogenic. ClinVar contains an entry for this variant (Variation ID: 254318). This premature translational stop signal has been observed in individual(s) with clinical features of DICER1 syndrome (PMID: 24839956, 26925222). This variant is not present in population databases (ExAC no frequency). This sequence change creates a premature translational stop signal (p.Asn1093*) in the DICER1 gene. It is expected to result in an absent or disrupted protein product. Loss-of-function variants in DICER1 are known to be pathogenic (PMID: 19556464, 21266384).

Foulkes Cancer Genetics LDI, Lady Davis Institute for Medical Research
Classification: Pathogenic for Pleuropulmonary blastoma. Last evaluated: 2019-07-01. Review status: criteria provided, single submitter. Criteria: ACMG Guidelines, 2015. Collection method: curation. Allele origin: germline. Affected: yes. Observed: 2 variant alleles.
Comment: ACMG criteria met: PVS1, PM2, PP4

International Pleuropulmonary Blastoma Registry, Children's Hospitals and Clinics of Minnesota
Classification: Pathogenic for Pleuropulmonary blastoma. Last evaluated: 2014-11-10. Review status: criteria provided, single submitter. Criteria: Hill et al. (Science. 2009). Collection method: clinical testing. Allele origin: germline. Affected: yes. Study: PPB-DICER1 Genetic study.

Literature cited by the submitters: PubMed 24839956 (cited by Labcorp Genetics (formerly Invitae), Labcorp and Foulkes Cancer Genetics LDI, Lady Davis Institute for Medical Research); PubMed 26925222 (cited by 3 submitters); PubMed 19556464 (cited by Labcorp Genetics (formerly Invitae), Labcorp); PubMed 21266384 (cited by Labcorp Genetics (formerly Invitae), Labcorp).

NM_177438.3(DICER1):c.3277_3280del (p.Pro1092_Asn1093insTer)

Gene: DICER1 (dicer 1, ribonuclease III; minus strand). Cytogenetic location: 14q32.13.
Variant type: Deletion.
Coding change: c.3277_3280del on transcript NM_177438.3 (MANE Select); coding-DNA positions 3277 to 3280, 4 bases deleted (AACT; older notation c.3277_3280delAACT).
Protein change: p.Pro1092_Asn1093insTer.
Molecular consequence: nonsense.
Genome position (GRCh38, 1-based): chr14:95,104,116-95,104,119, AGTT deleted on the plus strand (AACT on the coding strand, the reverse complement: DICER1 is on the minus strand); deleting any 4 consecutive bases within chr14:95,104,116-95,104,121 gives the same sequence; the c. name uses the placement nearest the transcript's 3' end. VCF-style (leftmost placement, unchanged base first): chr14-95104115-AAGTT-A. GRCh37 (hg19) VCF-style: chr14-95570452-AAGTT-A.
Other names: c.3277_3280delAACT (NM_177438.2); c.3277_3280del, p.Pro1092_Asn1093insTer (NM_001195573.1, NM_001271282.3, NM_001291628.2 and 1 more transcripts).
Identifiers: ClinVar variation 254318 (VCV000254318.13), dbSNP rs886037699, ClinGen allele CA10586432.